The following is an entry in ClinVar:

NC_000023.10:g.(?_31525378)_(31854956_?)del

Gene: DMD (dystrophin; minus strand). Cytogenetic location: Xp21.1.
Variant type: Deletion.
Identifiers: ClinVar variation 2424918 (VCV002424918.5).

ClinVar aggregate classification (germline): Pathogenic (1 of 4 stars; one submission).

Conditions:
Duchenne muscular dystrophy (DMD). Also called: Duchenne Muscular Dystrophy (DMD); MUSCULAR DYSTROPHY, PSEUDOHYPERTROPHIC PROGRESSIVE, DUCHENNE TYPE. Identifiers: Orphanet 98896, MedGen C0013264, MONDO:0010679, OMIM 310200.

Submission:

Labcorp Genetics (formerly Invitae), Labcorp
Classification: Pathogenic for Duchenne muscular dystrophy. Last evaluated: 2022-03-14. Review status: criteria provided, single submitter. Criteria: Invitae Variant Classification Sherloc (09022015). Collection method: clinical testing. Allele origin: germline.
Comment: This variant is a gross deletion of the genomic region encompassing exon(s) 49-56 of the DMD gene. This deletion is out-of-frame, and is expected to create a premature termination codon and result in an absent or disrupted protein product. Loss-of-function variants in DMD are known to be pathogenic (PMID: 16770791, 25007885). This variant has not been reported in the literature in individuals affected with DMD-related conditions. For these reasons, this variant has been classified as Pathogenic.

Literature cited by the submitters: PubMed 16770791; PubMed 25007885.